The following is an entry in ClinVar:

NM_001370466.1(NOD2):c.-8-2335G>C

Gene: NOD2 (nucleotide binding oligomerization domain containing 2; plus strand). Cytogenetic location: 16q12.1.
Variant type: single nucleotide variant.
Coding change: c.-8-2335G>C on transcript NM_001370466.1 (MANE Select); 2335 bases into the intron before 8 bases upstream of the start codon, G replaced by C.
Molecular consequence: intron variant. On other transcripts: 5 prime UTR variant (1).
Genome position (GRCh38, 1-based): chr16:50,697,153, G>C. VCF-style: chr16-50697153-G-C. GRCh37 (hg19) VCF-style: chr16-50731064-G-C.
Other names: c.-91G>C (LRG_177t1, NM_022162.3).
Identifiers: ClinVar variation 103115 (VCV000103115.2), dbSNP rs199475910, ClinGen allele CA230136.
Genomic context (GRCh38, chr16:50,697,153, plus strand): 5'-TGGCCTCCGGCTTTTCCTTTGGGAATTTCCCTTGAAGGTGGGGTTGGTAGACAGATCCAG[G>C]CTCACCAGTCCTGTGCCACTGGGCTTTTGGCGTTCTGCACAAGGCCTACCCGCAGATGCC-3'

ClinVar aggregate classification (germline): not provided (0 of 4 stars; one submission).

Allele frequency attached by ClinVar (database versions not stated): gnomAD exomes 0.00013; gnomAD 0.00051; TOPMed 0.00126.
gnomAD v4.1: 287 of 1,114,068 alleles (0.026%); highest among the groups gnomAD compares: African/African-American, 0.38%; 1 homozygote.

Submission:

Human Evolutionary Genetics, Institut Pasteur
No classification provided. Review status: no classification provided. Collection method: not provided. Allele origin: germline.
ClinVar note: Converted during submission from untested to not provided.